The following is an entry in ClinVar:

ClinVar aggregate classification (germline): Likely benign (1 of 4 stars; one submission).

Allele frequency attached by ClinVar (database versions not stated): 1000 Genomes Project 30x 0.00047; 1000 Genomes Project 0.00060; ESP Exome Variant Server 0.00215; ExAC 0.00247; TOPMed 0.00258.
gnomAD v4.1: 3,598 of 1,609,624 alleles (0.22%); highest among the groups gnomAD compares: Middle Eastern, 0.48%; 13 homozygotes.

Submission:

CeGaT Center for Human Genetics Tuebingen
Classification: Likely benign. Last evaluated: 2022-08-01. Review status: criteria provided, single submitter. Criteria: CeGaT Center For Human Genetics Tuebingen Variant Classification Criteria Version 2. Collection method: clinical testing. Allele origin: germline. Affected: yes. Observed: 1 variant allele.
Comment: MCF2L: BP4, BP7

NM_001112732.3(MCF2L):c.2364C>T (p.Thr788=)

Gene: MCF2L (MCF.2 cell line derived transforming sequence like; plus strand). Cytogenetic location: 13q34.
Variant type: single nucleotide variant.
Coding change: c.2364C>T on transcript NM_001112732.3 (MANE Select); coding-DNA position 2364, C replaced by T.
Protein change: p.Thr788=; no amino-acid change (threonine 788 retained).
Molecular consequence: synonymous variant.
Genome position (GRCh38, 1-based): chr13:113,086,240, C>T. VCF-style: chr13-113086240-C-T. GRCh37 (hg19) VCF-style: chr13-113740554-C-T.
Other names: c.2358C>T, p.Thr786= (NM_001320815.2, NM_001320817.2, NM_024979.5); c.2376C>T, p.Thr792= (NM_001320816.2); c.2277C>T, p.Thr759= (NM_001366644.2); c.2250C>T, p.Thr750= (NM_001366645.2, NM_001366646.2).
Identifiers: ClinVar variation 2643978 (VCV002643978.24), dbSNP rs137978862, ClinGen allele CA7059235.